The following is an entry in ClinVar:

ClinVar aggregate classification (germline): Uncertain significance (1 of 4 stars; one submission).

Conditions:
Combined immunodeficiency due to STK4 deficiency (IMD110). Also called: STK4 DEFICIENCY; MST1 DEFICIENCY; T-cell immunodeficiency, recurrent infections, and autoimmunity with or without cardiac malformations. Identifiers: Orphanet 314689, MedGen C3553943, MONDO:0013934, OMIM 614868.

Allele frequency attached by ClinVar (database versions not stated): ExAC 0.00001; gnomAD 0.00001; gnomAD exomes 0.00002 and 0.00005; TOPMed 0.00004; ESP Exome Variant Server 0.00008.
gnomAD v4.1: 69 of 1,613,674 alleles (0.0043%); highest among the groups gnomAD compares: Non-Finnish European, 0.0056%; no homozygotes.

Submission:

Labcorp Genetics (formerly Invitae), Labcorp
Classification: Uncertain significance for Combined immunodeficiency due to STK4 deficiency. Last evaluated: 2022-07-21. Review status: criteria provided, single submitter. Criteria: Invitae Variant Classification Sherloc (09022015). Collection method: clinical testing. Allele origin: germline.
Comment: This sequence change replaces valine, which is neutral and non-polar, with methionine, which is neutral and non-polar, at codon 258 of the STK4 protein (p.Val258Met). This variant is present in population databases (rs372125666, gnomAD 0.006%). This variant has not been reported in the literature in individuals affected with STK4-related conditions. ClinVar contains an entry for this variant (Variation ID: 862749). Advanced modeling of protein sequence and biophysical properties (such as structural, functional, and spatial information, amino acid conservation, physicochemical variation, residue mobility, and thermodynamic stability) performed at Invitae indicates that this missense variant is not expected to disrupt STK4 protein function. In summary, the available evidence is currently insufficient to determine the role of this variant in disease. Therefore, it has been classified as a Variant of Uncertain Significance.

NM_006282.5(STK4):c.772G>A (p.Val258Met)

Gene: STK4 (serine/threonine kinase 4; plus strand). Cytogenetic location: 20q13.12.
Variant type: single nucleotide variant.
Coding change: c.772G>A on transcript NM_006282.5 (MANE Select); coding-DNA position 772, G replaced by A.
Protein change: p.Val258Met; replaces valine 258 with methionine.
Molecular consequence: missense variant.
Genome position (GRCh38, 1-based): chr20:44,997,247, G>A. VCF-style: chr20-44997247-G-A. GRCh37 (hg19) VCF-style: chr20-43625888-G-A.
Other names: c.772G>A, p.Val258Met (NM_001352385.2); short protein forms V258M.
Identifiers: ClinVar variation 862749 (VCV000862749.7), dbSNP rs372125666, ClinGen allele CA9873879.
Genomic context (GRCh38, chr20:44,997,247, plus strand): 5'-ACAAATCCTCCTCCCACATTCCGAAAACCAGAGCTATGGTCAGATAACTTTACAGATTTT[G>A]TGAAACAGTGTCTTGTAAAGAGCCCTGAGCAGAGGGCCACAGCCACTCAGCTCCTGCAGG-3'
Protein context (NP_006273.1, residues 248-268): ELWSDNFTDF[Val258Met]KQCLVKSPEQ